The following is an entry in ClinVar:

ClinVar aggregate classification (germline): Pathogenic (1 of 4 stars; one submission).

Conditions:
Joubert syndrome. Also called: CEREBELLOPARENCHYMAL DISORDER IV; JOUBERT-BOLTSHAUSER SYNDROME; Familial aplasia of the vermis. Identifiers: Orphanet 475, MedGen C5979921, MONDO:0018772.
Orofaciodigital syndrome I (OFD1). Also called: OFDS I; Papillon-Leage and Psaume Syndrome; Oral-Facial-Digital Syndrome Type I. Identifiers: Orphanet 2750, MedGen C1510460, MONDO:0010702, OMIM 311200.

Submission:

Labcorp Genetics (formerly Invitae), Labcorp
Classification: Pathogenic for Orofaciodigital syndrome I; Joubert syndrome. Last evaluated: 2022-12-02. Review status: criteria provided, single submitter. Criteria: Invitae Variant Classification Sherloc (09022015). Collection method: clinical testing. Allele origin: germline.
Comment: For these reasons, this variant has been classified as Pathogenic. This variant has not been reported in the literature in individuals affected with OFD1-related conditions. This variant is not present in population databases (gnomAD no frequency). This sequence change creates a premature translational stop signal (p.Arg897Lysfs*4) in the OFD1 gene. It is expected to result in an absent or disrupted protein product. Loss-of-function variants in OFD1 are known to be pathogenic (PMID: 16783569, 18546297, 27081566).

Literature cited by the submitters: PubMed 16783569; PubMed 18546297; PubMed 27081566.

NM_003611.3(OFD1):c.2689dup (p.Arg897fs)

Gene: OFD1 (OFD1 centriole and centriolar satellite protein; plus strand). Cytogenetic location: Xp22.2.
Variant type: Duplication.
Coding change: c.2689dup on transcript NM_003611.3 (MANE Select); coding-DNA position 2689, one base duplicated (A; older notation c.2689dupA).
Protein change: p.Arg897fs; shifts the reading frame from arginine 897.
Molecular consequence: frameshift variant.
Genome position (GRCh38, 1-based): chrX:13,767,216, A duplicated; the last of 2 consecutive A bases (chrX:13,767,215-13,767,216); duplicating either gives the same sequence. VCF-style (leftmost placement, unchanged base first): chrX-13767214-G-GA. GRCh37 (hg19) VCF-style: chrX-13785333-G-GA.
Other names: c.2569dup, p.Arg857fs (NM_001330209.2); c.2269dup, p.Arg757fs (NM_001330210.2); short protein forms R757fs, R857fs, R897fs.
Identifiers: ClinVar variation 2944496 (VCV002944496.3), dbSNP rs1252017658, ClinGen allele CA872026219.
Genomic context (GRCh38, chrX:13,767,214, plus strand): 5'-AAAAGGAAGAAGAAAAAATACGGGAACAGCAAGTGAAAGAACGAAGGCAGAGAGAAGAAA[G>GA]AAGGCAGAGTAACCTACAAGAAGTTTTAGAAAGGGAACGAAGAGAACTAGAAAAACTGTA-3'